The following is an entry in ClinVar:

ClinVar aggregate classification (germline): Likely benign (0 of 4 stars; one submission).

Conditions:
NRP2-related disorder. Also called: NRP2-related condition.

Allele frequency attached by ClinVar (database versions not stated): ExAC 0.00001; gnomAD exomes 0.00001; gnomAD 0.00008; TOPMed 0.00008; ESP Exome Variant Server 0.00023.
gnomAD v4.1: 33 of 1,614,102 alleles (0.002%); highest among the groups gnomAD compares: African/African-American, 0.012%; no homozygotes.

Submission:

PreventionGenetics, part of Exact Sciences
Classification: Likely benign for NRP2-related condition. Last evaluated: 2023-12-08. Review status: no assertion criteria provided. Collection method: clinical testing. Allele origin: germline.
Comment: This variant is classified as likely benign based on ACMG/AMP sequence variant interpretation guidelines (Richards et al. 2015 PMID: 25741868, with internal and published modifications).

NM_003872.3(NRP2):c.1164C>T (p.Asn388=)

Gene: NRP2 (neuropilin 2; plus strand). Cytogenetic location: 2q33.3.
Variant type: single nucleotide variant.
Coding change: c.1164C>T on transcript NM_003872.3 (MANE Select); coding-DNA position 1164, C replaced by T.
Protein change: p.Asn388=; no amino-acid change (asparagine 388 retained).
Molecular consequence: synonymous variant.
Genome position (GRCh38, 1-based): chr2:205,740,536, C>T. VCF-style: chr2-205740536-C-T. GRCh37 (hg19) VCF-style: chr2-206605260-C-T.
Other names: c.1164C>T, p.Asn388= (NM_018534.4, NM_201264.2, NM_201266.2 and 2 more transcripts).
Identifiers: ClinVar variation 3036834 (VCV003036834.2), dbSNP rs141715769, ClinGen allele CA2069036.
Genomic context (GRCh38, chr2:205,740,536, plus strand): 5'-AAACAGGGGTTTCAATAACATGGTTTTGCATCTTACGCTACAGGTATTTCAAGCCAACAA[C>T]GATGCAACTGAGGTGGTTCTGAACAAGCTCCACGCTCCACTGCTGACAAGGTTTGTTAGA-3'
Protein context (NP_003863.2, residues 378-398): GKNHKVFQAN[Asn388=]DATEVVLNKL